The following is an entry in ClinVar:

ClinVar aggregate classification (germline): Uncertain significance. Review status: criteria provided, multiple submitters, no conflicts (2 of 4 stars). 2 submissions from 2 submitters: Uncertain significance (2). Last evaluated 2026-05-15.

Conditions:
BBS10-related disorder. Also called: BBS10-related condition.
Bardet-Biedl syndrome 10 (BBS10). Identifiers: Orphanet 110, MedGen C1859568, MONDO:0014438, OMIM 615987.

gnomAD v4.1: 3 of 1,613,464 alleles (0.00019%); highest among the groups gnomAD compares: Admixed American, 0.0017%; no homozygotes.

Submissions (2):

PreventionGenetics, part of Exact Sciences
Classification: Uncertain significance for BBS10-related condition. Last evaluated: 2026-05-15. Review status: criteria provided, single submitter. Criteria: ACMG Guidelines, 2015. Collection method: clinical testing. Allele origin: germline.
Comment: The BBS10 c.404C>A variant is predicted to result in the amino acid substitution p.Thr135Lys. To our knowledge, this variant has not been reported in the literature. This variant is reported in 0.00089% of alleles in individuals of European (Non-Finnish) descent in gnomAD. At this time, the clinical significance of this variant is uncertain due to the absence of conclusive functional and genetic evidence.

Fulgent Genetics
Classification: Uncertain significance for Bardet-Biedl syndrome 10. Last evaluated: 2024-03-13. Review status: criteria provided, single submitter. Criteria: ACMG Guidelines, 2015. Collection method: clinical testing. Allele origin: germline.

NM_024685.4(BBS10):c.404C>A (p.Thr135Lys)

Gene: BBS10 (Bardet-Biedl syndrome 10; minus strand). Cytogenetic location: 12q21.2.
Variant type: single nucleotide variant.
Coding change: c.404C>A on transcript NM_024685.4 (MANE Select); coding-DNA position 404, C replaced by A.
Protein change: p.Thr135Lys; replaces threonine 135 with lysine.
Molecular consequence: missense variant.
Genome position (GRCh38, 1-based): chr12:76,347,581, G>T on the plus strand (C>A on the coding strand, the complement: BBS10 is on the minus strand). VCF-style: chr12-76347581-G-T. GRCh37 (hg19) VCF-style: chr12-76741361-G-T.
Other names: c.404C>A (NM_024685.3); short protein forms T135K.
Identifiers: ClinVar variation 3575316 (VCV003575316.2).